The following is an entry in ClinVar:

NM_006662.3(SRCAP):c.1611G>C (p.Gln537His)

Gene: SRCAP (Snf2 related CREBBP activator protein; plus strand). Cytogenetic location: 16p11.2.
Variant type: single nucleotide variant.
Coding change: c.1611G>C on transcript NM_006662.3 (MANE Select); coding-DNA position 1611, G replaced by C.
Protein change: p.Gln537His; replaces glutamine 537 with histidine.
Molecular consequence: missense variant.
Genome position (GRCh38, 1-based): chr16:30,711,953, G>C. VCF-style: chr16-30711953-G-C. GRCh37 (hg19) VCF-style: chr16-30723274-G-C.
Other names: short protein forms Q537H.
Identifiers: ClinVar variation 1360518 (VCV001360518.11), dbSNP rs771334638, ClinGen allele CA8011038.

ClinVar aggregate classification (germline): Conflicting classifications of pathogenicity. Review status: criteria provided, conflicting classifications (1 of 4 stars). 3 submissions from 3 submitters: Uncertain significance (2); Likely benign (1). Last evaluated 2024-11-01.

Conditions:
Developmental delay, hypotonia, musculoskeletal defects, and behavioral abnormalities. Identifiers: MedGen C5562012, MONDO:0859202, OMIM 619595.
Floating-Harbor syndrome (FLHS). Also called: Short stature with delayed bone age, expressive language delay, a triangular face with a prominent nose and deep-set eyes; Pelletier-Leisti syndrome; SRCAP-Related Floating-Harbor Syndrome. Identifiers: Orphanet 2044, MedGen C0729582, MONDO:0007621, OMIM 136140.
Inborn genetic diseases. Identifiers: MedGen C0950123, MeSH D030342.

Allele frequency attached by ClinVar (database versions not stated): gnomAD exomes 0.00002 and 0.00003; gnomAD 0.00001; TOPMed 0.00001; ExAC 0.00002.
gnomAD v4.1: 36 of 1,613,902 alleles (0.0022%); highest among the groups gnomAD compares: Non-Finnish European, 0.0017%; no homozygotes.

Submissions (3):

Labcorp Genetics (formerly Invitae), Labcorp
Classification: Uncertain significance. Last evaluated: 2024-11-01. Review status: criteria provided, single submitter. Criteria: Invitae Variant Classification Sherloc (09022015). Collection method: clinical testing. Allele origin: germline.
Comment: This sequence change replaces glutamine, which is neutral and polar, with histidine, which is basic and polar, at codon 537 of the SRCAP protein (p.Gln537His). This variant is present in population databases (rs771334638, gnomAD 0.05%). This variant has not been reported in the literature in individuals affected with SRCAP-related conditions. ClinVar contains an entry for this variant (Variation ID: 1360518). Invitae Evidence Modeling of protein sequence and biophysical properties (such as structural, functional, and spatial information, amino acid conservation, physicochemical variation, residue mobility, and thermodynamic stability) indicates that this missense variant is not expected to disrupt SRCAP protein function with a negative predictive value of 80%. In summary, the available evidence is currently insufficient to determine the role of this variant in disease. Therefore, it has been classified as a Variant of Uncertain Significance.

Fulgent Genetics
Classification: Uncertain significance for Floating-Harbor syndrome; Developmental delay, hypotonia, musculoskeletal defects, and behavioral abnormalities. Last evaluated: 2024-01-23. Review status: criteria provided, single submitter. Criteria: ACMG Guidelines, 2015. Collection method: clinical testing. Allele origin: germline.

Ambry Genetics
Classification: Likely benign for Inborn genetic diseases. Last evaluated: 2021-07-06. Review status: criteria provided, single submitter. Criteria: Ambry Variant Classification Scheme 2023. Collection method: clinical testing. Allele origin: germline.